The following is an entry in ClinVar:

ClinVar aggregate classification (germline): Likely benign (0 of 4 stars; one submission).

Conditions:
KSR2-related disorder. Also called: KSR2-related condition.

gnomAD v4.1: 2 of 1,612,912 alleles (0.00012%); highest among the groups gnomAD compares: Non-Finnish European, 0.00017%; no homozygotes.

Submission:

PreventionGenetics, part of Exact Sciences
Classification: Likely benign for KSR2-related condition. Last evaluated: 2023-07-14. Review status: no assertion criteria provided. Collection method: clinical testing. Allele origin: germline.
Comment: This variant is classified as likely benign based on ACMG/AMP sequence variant interpretation guidelines (Richards et al. 2015 PMID: 25741868, with internal and published modifications).

NM_173598.6(KSR2):c.473-9C>G

Gene: KSR2 (kinase suppressor of ras 2; minus strand). Cytogenetic location: 12q24.23.
Variant type: single nucleotide variant.
Coding change: c.473-9C>G on transcript NM_173598.6 (MANE Select); 9 bases into the intron before coding-DNA position 473, C replaced by G.
Molecular consequence: intron variant.
Genome position (GRCh38, 1-based): chr12:117,761,533, G>C on the plus strand (C>G on the coding strand, the complement: KSR2 is on the minus strand). VCF-style: chr12-117761533-G-C. GRCh37 (hg19) VCF-style: chr12-118199338-G-C.
Identifiers: ClinVar variation 3357499 (VCV003357499.1).